The following is an entry in ClinVar:

ClinVar aggregate classification (germline): Uncertain significance. Review status: criteria provided, multiple submitters, no conflicts (2 of 4 stars). 4 submissions from 4 submitters: Uncertain significance (4). Last evaluated 2024-05-24.

Conditions:
Wilson disease (WND). Also called: Wilson's disease. Identifiers: Orphanet 905, MedGen C0019202, MONDO:0010200, OMIM 277900. Disease mechanism: loss of function.

Allele frequency attached by ClinVar (database versions not stated): gnomAD 0.00001 and 0.00002; TOPMed 0.00002; gnomAD exomes 0.00003; ExAC 0.00005.
gnomAD v4.1: 29 of 1,614,074 alleles (0.0018%); highest among the groups gnomAD compares: Non-Finnish European, 0.0019%; no homozygotes.

Submissions (4):

Labcorp Genetics (formerly Invitae), Labcorp
Classification: Uncertain significance for Wilson disease. Last evaluated: 2024-05-24. Review status: criteria provided, single submitter. Criteria: Invitae Variant Classification Sherloc (09022015). Collection method: clinical testing. Allele origin: germline.
Comment: This sequence change replaces valine, which is neutral and non-polar, with isoleucine, which is neutral and non-polar, at codon 746 of the ATP7B protein (p.Val746Ile). This variant is present in population databases (rs746531706, gnomAD 0.006%). This variant has not been reported in the literature in individuals affected with ATP7B-related conditions. ClinVar contains an entry for this variant (Variation ID: 881427). Advanced modeling of protein sequence and biophysical properties (such as structural, functional, and spatial information, amino acid conservation, physicochemical variation, residue mobility, and thermodynamic stability) performed at Invitae indicates that this missense variant is not expected to disrupt ATP7B protein function with a negative predictive value of 80%. In summary, the available evidence is currently insufficient to determine the role of this variant in disease. Therefore, it has been classified as a Variant of Uncertain Significance.

All of Us Research Program, National Institutes of Health
Classification: Uncertain significance for Wilson disease. Last evaluated: 2024-05-14. Review status: criteria provided, single submitter. Criteria: ACMG Guidelines, 2015. Collection method: clinical testing. Allele origin: germline. Inheritance: Autosomal recessive inheritance. Observed: 7 variant alleles, 7 heterozygotes.
Comment: This missense variant replaces valine with isoleucine at codon 746 of the ATP7B protein. Computational prediction suggests that this variant may not impact protein structure and function (internally defined REVEL score threshold <= 0.5, PMID: 27666373). To our knowledge, functional studies have not been reported for this variant. This variant has not been reported in individuals affected with Wilson disease in the literature. This variant has been identified in 8/249580 chromosomes in the general population by the Genome Aggregation Database (gnomAD). The available evidence is insufficient to determine the role of this variant in disease conclusively. Therefore, this variant is classified as a Variant of Uncertain Significance.

This study involves interpretation of variants in research participants for the purpose of population health screening. Participant phenotype was not available at the time of variant classification. Additional details can be found in publication PMID: 35346344, PMCID: PMC8962531

Color Diagnostics, LLC DBA Color Health
Classification: Uncertain significance for Wilson disease. Last evaluated: 2024-03-06. Review status: criteria provided, single submitter. Criteria: ACMG Guidelines, 2015. Collection method: clinical testing. Allele origin: germline.
Comment: This missense variant replaces valine with isoleucine at codon 746 of the ATP7B protein. Computational prediction suggests that this variant may not impact protein structure and function. To our knowledge, functional studies have not been reported for this variant. This variant has not been reported in individuals affected with Wilson disease in the literature. This variant has been identified in 8/249580 chromosomes in the general population by the Genome Aggregation Database (gnomAD). The available evidence is insufficient to determine the role of this variant in disease conclusively. Therefore, this variant is classified as a Variant of Uncertain Significance.

Illumina Laboratory Services, Illumina
Classification: Uncertain significance for Wilson disease. Last evaluated: 2017-04-27. Review status: criteria provided, single submitter. Criteria: ICSL Variant Classification Criteria 13 December 2019. Collection method: clinical testing. Allele origin: germline.

NM_000053.4(ATP7B):c.2236G>A (p.Val746Ile)

Gene: ATP7B (ATPase copper transporting beta; minus strand). Cytogenetic location: 13q14.3.
Variant type: single nucleotide variant.
Coding change: c.2236G>A on transcript NM_000053.4 (MANE Select); coding-DNA position 2236, G replaced by A.
Protein change: p.Val746Ile; replaces valine 746 with isoleucine.
Molecular consequence: missense variant. On other transcripts: intron variant (2).
Genome position (GRCh38, 1-based): chr13:51,958,430, C>T on the plus strand (G>A on the coding strand, the complement: ATP7B is on the minus strand). VCF-style: chr13-51958430-C-T. GRCh37 (hg19) VCF-style: chr13-52532566-C-T.
Other names: c.1903G>A, p.Val635Ile (NM_001243182.2); c.1984G>A, p.Val662Ile (NM_001330579.2); c.1870-823G>A (NM_001005918.3); c.2122-823G>A (NM_001330578.2); short protein forms V635I, V662I, V746I.
Identifiers: ClinVar variation 881427 (VCV000881427.9), dbSNP rs746531706, ClinGen allele CA6989081.